The following is an entry in ClinVar:

NM_005228.5(EGFR):c.441C>T (p.Ala147=)

Gene: EGFR (epidermal growth factor receptor; plus strand). Cytogenetic location: 7p11.2.
Variant type: single nucleotide variant.
Coding change: c.441C>T on transcript NM_005228.5 (MANE Select); coding-DNA position 441, C replaced by T.
Protein change: p.Ala147=; no amino-acid change (alanine 147 retained).
Molecular consequence: synonymous variant. On other transcripts: intron variant (3).
Genome position (GRCh38, 1-based): chr7:55,146,622, C>T. VCF-style: chr7-55146622-C-T. GRCh37 (hg19) VCF-style: chr7-55214315-C-T.
Other names: c.441C>T (NM_005228.4); c.441C>T, p.Ala147= (NM_001346898.2, NM_201282.2, NM_201283.2 and 1 more transcripts); c.282C>T, p.Ala94= (NM_001346900.2); c.424+3134C>T (NM_001346899.2, NM_001346897.2); c.89-9208C>T (NM_001346941.2).
Identifiers: ClinVar variation 757146 (VCV000757146.13), dbSNP rs138946543, ClinGen allele CA4265224.
Genomic context (GRCh38, chr7:55,146,622, plus strand): 5'-AAGGAGCTGGAAAGAGTGCTCACCGCAGTTCCATTCTCCCGCAGAAATCCTGCATGGCGC[C>T]GTGCGGTTCAGCAACAACCCTGCCCTGTGCAACGTGGAGAGCATCCAGTGGCGGGACATA-3'
Protein context (NP_005219.2, residues 137-157): MRNLQEILHG[Ala147=]VRFSNNPALC

ClinVar aggregate classification (germline): Likely benign. Review status: criteria provided, multiple submitters, no conflicts (2 of 4 stars). 3 submissions from 3 submitters: Likely benign (2). 1 of the submissions does not count toward it. Last evaluated 2026-01-26.

Conditions:
EGFR-related lung cancer (EGFR). Identifiers: MedGen CN130014.
EGFR-related disorder. Also called: EGFR-related condition.
Hereditary cancer-predisposing syndrome. Also called: Hereditary Cancer Syndrome; Hereditary neoplastic syndrome; Neoplastic Syndromes, Hereditary; Tumor predisposition. Identifiers: Orphanet 140162, MedGen C0027672, MeSH D009386, MONDO:0015356.

Allele frequency attached by ClinVar (database versions not stated): TOPMed 0.00003.

Submissions (3):

Labcorp Genetics (formerly Invitae), Labcorp
Classification: Likely benign for EGFR-related lung cancer. Last evaluated: 2026-01-26. Review status: criteria provided, single submitter. Criteria: Invitae Variant Classification Sherloc (09022015). Collection method: clinical testing. Allele origin: germline.

Ambry Genetics
Classification: Likely benign for Hereditary cancer-predisposing syndrome. Last evaluated: 2024-11-22. Review status: criteria provided, single submitter. Criteria: Ambry Variant Classification Scheme 2023. Collection method: clinical testing. Allele origin: germline.

PreventionGenetics, part of Exact Sciences
Classification: Likely benign for EGFR-related condition. Last evaluated: 2019-02-27. Review status: no assertion criteria provided. Collection method: clinical testing. Allele origin: germline. Not counted in ClinVar's aggregate classification.
Comment: This variant is classified as likely benign based on ACMG/AMP sequence variant interpretation guidelines (Richards et al. 2015 PMID: 25741868, with internal and published modifications).